The following is an entry in ClinVar:

NM_022081.6(HPS4):c.1221C>T (p.Ser407=)

Gene: HPS4 (HPS4 biogenesis of lysosomal organelles complex 3 subunit 2; minus strand). Cytogenetic location: 22q12.1.
Variant type: single nucleotide variant.
Coding change: c.1221C>T on transcript NM_022081.6 (MANE Select); coding-DNA position 1221, C replaced by T.
Protein change: p.Ser407=; no amino-acid change (serine 407 retained).
Molecular consequence: synonymous variant. On other transcripts: non-coding transcript variant (8).
Genome position (GRCh38, 1-based): chr22:26,464,409, G>A on the plus strand (C>T on the coding strand, the complement: HPS4 is on the minus strand). VCF-style: chr22-26464409-G-A. GRCh37 (hg19) VCF-style: chr22-26860375-G-A.
Other names: c.1221C>T, p.Ser407= (NM_001349896.1, NM_001349898.2, NM_001349899.2 and 5 more transcripts); c.1275C>T, p.Ser425= (NM_001349900.2, NM_001349901.1); c.1206C>T, p.Ser402= (NM_152841.2).
Identifiers: ClinVar variation 2883656 (VCV002883656.12), dbSNP rs144077166, ClinGen allele CA10163374.

ClinVar aggregate classification (germline): Likely benign. Review status: criteria provided, multiple submitters, no conflicts (2 of 4 stars). 3 submissions from 3 submitters: Likely benign (2). 1 of the submissions does not count toward it. Last evaluated 2026-02-01.

Conditions:
HPS4-related disorder. Also called: HPS4-related condition.

Allele frequency attached by ClinVar (database versions not stated): gnomAD 0.00005; ExAC 0.00006; TOPMed 0.00006; ESP Exome Variant Server 0.00008; gnomAD exomes 0.00013.

Submissions (3):

CeGaT Center for Human Genetics Tuebingen
Classification: Likely benign. Last evaluated: 2026-02-01. Review status: criteria provided, single submitter. Criteria: CeGaT Center For Human Genetics Tuebingen Variant Classification Criteria Version 2. Collection method: clinical testing. Allele origin: germline. Affected: yes. Observed: 2 variant alleles.
Comment: HPS4: BP4, BP7

Labcorp Genetics (formerly Invitae), Labcorp
Classification: Likely benign. Last evaluated: 2025-11-27. Review status: criteria provided, single submitter. Criteria: Invitae Variant Classification Sherloc (09022015). Collection method: clinical testing. Allele origin: germline.

PreventionGenetics, part of Exact Sciences
Classification: Likely benign for HPS4-related condition. Last evaluated: 2020-01-09. Review status: no assertion criteria provided. Collection method: clinical testing. Allele origin: germline. Not counted in ClinVar's aggregate classification.
Comment: This variant is classified as likely benign based on ACMG/AMP sequence variant interpretation guidelines (Richards et al. 2015 PMID: 25741868, with internal and published modifications).